The following is an entry in ClinVar:

ClinVar aggregate classification (germline): Pathogenic/Likely pathogenic. Review status: criteria provided, multiple submitters, no conflicts (2 of 4 stars). 6 submissions from 6 submitters: Pathogenic (3); Likely pathogenic (3). Last evaluated 2026-07-28.

Conditions:
C7-related disorders.
C7-related disorder. Also called: C7-related condition.
Complement component 7 deficiency (C7D). Also called: C7 DEFICIENCY. Identifiers: MedGen C1864694, MONDO:0012412, OMIM 610102.

Submissions (6):

GeneDx
Classification: Likely pathogenic. Last evaluated: 2026-07-28. Review status: criteria provided, single submitter. Criteria: GeneDx Variant Classification Process June 2021. Collection method: clinical testing. Allele origin: germline.
Comment: Observed in a patient with meningococcal meningitis and low levels of C7 who also possessed another C7 variant in published literature (PMID: 16771861); Frameshift variant predicted to result in protein truncation or nonsense mediated decay in a gene for which loss of function is a known mechanism of disease; This variant is associated with the following publications: (PMID: 28368462, 16771861)

PreventionGenetics, part of Exact Sciences
Classification: Likely pathogenic for C7-related condition. Last evaluated: 2026-01-27. Review status: criteria provided, single submitter. Criteria: ACMG Guidelines, 2015. Collection method: clinical testing. Allele origin: germline.
Comment: The C7 c.633_643del11 variant is predicted to result in a frameshift and premature protein termination (p.Ser212Hisfs*4). In the literature, this variant is also reported as T189X193 or 631delACGTCGACAGA. This vairant has been reported in an individual with meningococcal meningitis and low levels of C7, who also had another variant in the C7 gene (Patient 2, Barroso et al. 2006. PubMed ID: 16771861). This variant is reported in 0.023% of alleles in individuals of European (Non-Finnish) descent in gnomAD. Frameshift variants in C7 are expected to be pathogenic. This variant is interpreted as likely pathogenic.

Labcorp Genetics (formerly Invitae), Labcorp
Classification: Pathogenic. Last evaluated: 2025-12-15. Review status: criteria provided, single submitter. Criteria: Invitae Variant Classification Sherloc (09022015). Collection method: clinical testing. Allele origin: germline.
Comment: This sequence change creates a premature translational stop signal (p.Ser212Hisfs*4) in the C7 gene. It is expected to result in an absent or disrupted protein product. Loss-of-function variants in C7 are known to be pathogenic (PMID: 9856499, 17407100). This variant is present in population databases (rs770367814, gnomAD 0.02%). This premature translational stop signal has been observed in individual(s) with clinical features of C7 deficiency (PMID: 16771861). This variant is also known as T189X193. ClinVar contains an entry for this variant (Variation ID: 871489). Algorithms developed to predict the effect of sequence changes on RNA splicing suggest that this variant may disrupt the consensus splice site. For these reasons, this variant has been classified as Pathogenic.

Blueprint Genetics
Classification: Likely pathogenic for C7-related disorders. Last evaluated: 2024-10-29. Review status: criteria provided, single submitter. Criteria: ACMG Guidelines, 2015. Collection method: clinical testing. Allele origin: germline. Affected: yes. Observed: 5 variant alleles.

Fulgent Genetics
Classification: Pathogenic for Complement component 7 deficiency. Last evaluated: 2022-04-01. Review status: criteria provided, single submitter. Criteria: ACMG Guidelines, 2015. Collection method: clinical testing. Allele origin: unknown.

CeGaT Center for Human Genetics Tuebingen
Classification: Pathogenic. Last evaluated: 2018-02-01. Review status: criteria provided, single submitter. Criteria: CeGaT Center For Human Genetics Tuebingen Variant Classification Criteria Version 2. Collection method: clinical testing. Allele origin: germline. Affected: yes. Observed: 1 variant allele.

Literature cited by the submitters: PubMed 9856499 (cited by Labcorp Genetics (formerly Invitae), Labcorp); PubMed 17407100 (cited by Labcorp Genetics (formerly Invitae), Labcorp); PubMed 16771861 (cited by Labcorp Genetics (formerly Invitae), Labcorp).

NM_000587.4(C7):c.633_643del (p.Ser212fs)

Gene: C7 (complement C7; plus strand). Cytogenetic location: 5p13.1.
Variant type: Deletion.
Coding change: c.633_643del on transcript NM_000587.4 (MANE Select); coding-DNA positions 633 to 643, 11 bases deleted (GTCGACAGAAC).
Protein change: p.Ser212fs; shifts the reading frame from serine 212.
Molecular consequence: frameshift variant.
Genome position (GRCh38, 1-based): chr5:40,945,263-40,945,273, GTCGACAGAAC deleted; deleting any 11 consecutive bases within chr5:40,945,261-40,945,273 gives the same sequence; the c. name uses the placement nearest the transcript's 3' end. VCF-style (leftmost placement, unchanged base first): chr5-40945260-TACGTCGACAGA-T. GRCh37 (hg19) VCF-style: chr5-40945362-TACGTCGACAGA-T.
Other names: c.633_643del (NM_000587.2); c.633_643del11 (NM_000587.3); short protein forms S212fs.
Identifiers: ClinVar variation 871489 (VCV000871489.53), dbSNP rs770367814, ClinGen allele CA3249700.